The following is an entry in ClinVar:

NM_000036.3(AMPD1):c.223C>T (p.Arg75Cys)

Gene: AMPD1 (adenosine monophosphate deaminase 1; minus strand). Cytogenetic location: 1p13.2.
Variant type: single nucleotide variant.
Coding change: c.223C>T on transcript NM_000036.3 (MANE Select); coding-DNA position 223, C replaced by T.
Protein change: p.Arg75Cys; replaces arginine 75 with cysteine.
Molecular consequence: missense variant.
Genome position (GRCh38, 1-based): chr1:114,686,903, G>A on the plus strand (C>T on the coding strand, the complement: AMPD1 is on the minus strand). VCF-style: chr1-114686903-G-A. GRCh37 (hg19) VCF-style: chr1-115229524-G-A.
Other names: c.211C>T, p.Arg71Cys (NM_001172626.2); short protein forms R71C, R75C.
Identifiers: ClinVar variation 1440629 (VCV001440629.5), dbSNP rs12566550, ClinGen allele CA1020488.
Genomic context (GRCh38, chr1:114,686,903, plus strand): 5'-TGGTGGAAGATGTTTCACTTAGTGGAATGGACAAATTAACAGTCTTCCGTCCTTGGAAAC[G>A]CTTTTTTCTGGGTTCGAAATTTAAAAGTAAGAGTTAATTTTGTCTTCATCAGGCGTTTCA-3'
Protein context (NP_000027.3, residues 65-85): STSTEARRKK[Arg75Cys]FQGRKTVNLS

ClinVar aggregate classification (germline): Uncertain significance. Review status: criteria provided, multiple submitters, no conflicts (2 of 4 stars). 2 submissions from 2 submitters: Uncertain significance (2). Last evaluated 2024-05-23.

Conditions:
Muscle AMP deaminase deficiency (MMDD). Also called: Myoadenylate deaminase deficiency, myopathy due to; Adenosine monophosphate deaminase 1 deficiency; AMP deaminase 1 deficiency; Adenosine Monophosphate Deaminase 1; ADENOSINE MONOPHOSPHATE DEAMINASE-1 DEFICIENCY, MYOPATHY DUE TO; AMPD1 DEFICIENCY. Identifiers: Orphanet 45, MedGen C3714933, MONDO:0014220, OMIM 615511.
Inborn genetic diseases. Identifiers: MedGen C0950123, MeSH D030342.

Allele frequency attached by ClinVar (database versions not stated): gnomAD exomes 0.00002 and 0.00007; gnomAD 0.00003; TOPMed 0.00005; ExAC 0.00007; 1000 Genomes Project 0.00020; 1000 Genomes Project 30x 0.00047.

Submissions (2):

Ambry Genetics
Classification: Uncertain significance for Inborn genetic diseases. Last evaluated: 2024-05-23. Review status: criteria provided, single submitter. Criteria: Ambry Variant Classification Scheme 2023. Collection method: clinical testing. Allele origin: germline.

Labcorp Genetics (formerly Invitae), Labcorp
Classification: Uncertain significance for Muscle AMP deaminase deficiency. Last evaluated: 2024-02-24. Review status: criteria provided, single submitter. Criteria: Invitae Variant Classification Sherloc (09022015). Collection method: clinical testing. Allele origin: germline.
Comment: This sequence change replaces arginine, which is basic and polar, with cysteine, which is neutral and slightly polar, at codon 108 of the AMPD1 protein (p.Arg108Cys). This variant is present in population databases (rs12566550, gnomAD 0.03%). This variant has not been reported in the literature in individuals affected with AMPD1-related conditions. ClinVar contains an entry for this variant (Variation ID: 1440629). Advanced modeling of protein sequence and biophysical properties (such as structural, functional, and spatial information, amino acid conservation, physicochemical variation, residue mobility, and thermodynamic stability) performed at Invitae indicates that this missense variant is not expected to disrupt AMPD1 protein function with a negative predictive value of 80%. In summary, the available evidence is currently insufficient to determine the role of this variant in disease. Therefore, it has been classified as a Variant of Uncertain Significance.